The following is an entry in ClinVar:

NM_012401.4(PLXNB2):c.2997C>T (p.Arg999=)

Genes: PLXNB2 (plexin B2; minus strand), LOC126863184 (MED14-independent group 3 enhancer GRCh37_chr22:50720546-50721745; plus strand). Cytogenetic location: 22q13.33.
Variant type: single nucleotide variant.
Coding change: c.2997C>T on transcript NM_012401.4 (MANE Select); coding-DNA position 2997, C replaced by T.
Protein change: p.Arg999=; no amino-acid change (arginine 999 retained).
Molecular consequence: synonymous variant.
Genome position (GRCh38, 1-based): chr22:50,282,304, G>A on the plus strand (C>T on the coding strand, the complement: PLXNB2 is on the minus strand). VCF-style: chr22-50282304-G-A. GRCh37 (hg19) VCF-style: chr22-50720733-G-A.
Other names: c.3234C>T, p.Arg1078= (NM_001376864.1); c.3066C>T, p.Arg1022= (NM_001376865.1); c.2997C>T, p.Arg999= (NM_001376866.1, NM_001376867.1, NM_001376868.1 and 17 more transcripts); c.2904C>T, p.Arg968= (NM_001376886.1).
Identifiers: ClinVar variation 4874084 (VCV004874084.2).

ClinVar aggregate classification (germline): Likely benign (1 of 4 stars; one submission).

gnomAD v4.1: 116 of 1,609,676 alleles (0.0072%); highest among the groups gnomAD compares: Admixed American, 0.19%; no homozygotes.

Submission:

CeGaT Center for Human Genetics Tuebingen
Classification: Likely benign. Last evaluated: 2026-08-01. Review status: criteria provided, single submitter. Criteria: CeGaT Center For Human Genetics Tuebingen Variant Classification Criteria Version 2. Collection method: clinical testing. Allele origin: germline. Affected: yes. Observed: 3 variant alleles.
Comment: PLXNB2: BP4, BP7